The following is an entry in ClinVar:

NM_005422.4(TECTA):c.1475T>C (p.Val492Ala)

Genes: TBCEL-TECTA (TBCEL-TECTA readthrough; plus strand), TECTA (tectorin alpha; plus strand). Cytogenetic location: 11q23.3.
Variant type: single nucleotide variant.
Coding change: c.1475T>C on transcript NM_005422.4 (MANE Select); coding-DNA position 1475, T replaced by C.
Protein change: p.Val492Ala; replaces valine 492 with alanine.
Molecular consequence: missense variant.
Genome position (GRCh38, 1-based): chr11:121,125,573, T>C. VCF-style: chr11-121125573-T-C. GRCh37 (hg19) VCF-style: chr11-120996282-T-C.
Other names: c.2432T>C, p.Val811Ala (NM_001378761.1); short protein forms V492A, V811A.
Identifiers: ClinVar variation 1064880 (VCV001064880.3), dbSNP rs753099302, ClinGen allele CA6326755.

ClinVar aggregate classification (germline): Uncertain significance (1 of 4 stars; one submission).

Conditions:
Hearing impairment. Also called: Impaired Hearing. Identifiers: MedGen C1384666, MONDO:0005365, HP:0000365.

Allele frequency attached by ClinVar (database versions not stated): gnomAD exomes below 0.00001 and 0.00001; ExAC 0.00001; gnomAD 0.00001.
gnomAD v4.1: 7 of 1,614,002 alleles (0.00043%); highest among the groups gnomAD compares: Non-Finnish European, 0.00059%; no homozygotes.

Submission:

Department of Otolaryngology – Head & Neck Surgery, Cochlear Implant Center
Classification: Uncertain significance for Hearing impairment. Last evaluated: 2021-04-12. Review status: criteria provided, single submitter. Criteria: ClinGen HL ACMG Specifications v1. Collection method: clinical testing. Allele origin: germline. Affected: yes.
Comment: PM2_Moderate, BP4_Supporting